The following is an entry in ClinVar:

NM_000441.2(SLC26A4):c.1629del (p.Gly544fs)

Gene: SLC26A4 (solute carrier family 26 member 4; plus strand). Cytogenetic location: 7q22.3.
Variant type: Deletion.
Coding change: c.1629del on transcript NM_000441.2 (MANE Select); coding-DNA position 1629, one base deleted (A; older notation c.1629delA).
Protein change: p.Gly544fs; shifts the reading frame from glycine 544.
Molecular consequence: frameshift variant.
Genome position (GRCh38, 1-based): chr7:107,700,097, A deleted; the last of 2 consecutive A bases (chr7:107,700,096-107,700,097); deleting either gives the same sequence. VCF-style (leftmost placement, unchanged base first): chr7-107700095-CA-C. GRCh37 (hg19) VCF-style: chr7-107340540-CA-C.
Other names: short protein forms G544fs.
Identifiers: ClinVar variation 2678943 (VCV002678943.2), dbSNP rs1354286313, ClinGen allele CA831185803.

ClinVar aggregate classification (germline): Pathogenic/Likely pathogenic. Review status: criteria provided, multiple submitters, no conflicts (2 of 4 stars). 2 submissions from 2 submitters: Pathogenic (1); Likely pathogenic (1). Last evaluated 2024-01-14.

Conditions:
Autosomal recessive nonsyndromic hearing loss 4 (DFNB4). Also called: Deafness, autosomal recessive 4, with enlarged vestibular aqueduct; NEUROSENSORY NONSYNDROMIC RECESSIVE DEAFNESS 4; FOXI1-Related Pendred Syndrome; KCNJ10-Related Pendred Syndrome; DEAFNESS, AUTOSOMAL RECESSIVE 4, WITH ENLARGED VESTIBULAR AQUEDUCT, DIGENIC; Enlarged vestibular aqueduct, digenic. Identifiers: Orphanet 90636, MedGen C3538946, MONDO:0010933, OMIM 600791.
Pendred syndrome (PDS). Also called: Pendred Syndrome (PDS); HYPOTHYROIDISM, CONGENITAL, DUE TO DYSHORMONOGENESIS, 2B; THYROID DYSHORMONOGENESIS 2B; THYROID HORMONOGENESIS, GENETIC DEFECT IN, 2B; DEAFNESS WITH GOITER; GOITER-DEAFNESS SYNDROME. Identifiers: Orphanet 705, MedGen C0271829, MONDO:0010134, OMIM 274600.

Submissions (2):

Myriad Genetics, Inc.
Classification: Pathogenic for Pendred syndrome. Last evaluated: 2024-01-14. Review status: criteria provided, single submitter. Criteria: Myriad Autosomal Dominant, Autosomal Recessive and X-Linked Classification Criteria (2023). Collection method: clinical testing. Allele origin: unknown.
Comment: NM_000441.1(SLC26A4):c.1629delA(G544Efs*2) is expected to be pathogenic in the context of Pendred syndrome. This variant is predicted to lead to an abnormal or absent protein product due to the creation of a premature termination codon in SLC26A4, a gene where loss-of-function variants are known to be pathogenic. Please note: this variant was assessed in the context of healthy population screening.

Baylor Genetics
Classification: Likely pathogenic for Autosomal recessive nonsyndromic hearing loss 4. Last evaluated: 2022-02-26. Review status: criteria provided, single submitter. Criteria: ACMG Guidelines, 2015. Collection method: clinical testing. Allele origin: unknown.